The following is an entry in ClinVar:

NM_024675.4(PALB2):c.774T>A (p.Ser258Arg)

Gene: PALB2 (partner and localizer of BRCA2; minus strand). Cytogenetic location: 16p12.2.
Variant type: single nucleotide variant.
Coding change: c.774T>A on transcript NM_024675.4 (MANE Select); coding-DNA position 774, T replaced by A.
Protein change: p.Ser258Arg; replaces serine 258 with arginine.
Molecular consequence: missense variant. On other transcripts: 5 prime UTR variant (8), intron variant (3).
Genome position (GRCh38, 1-based): chr16:23,635,772, A>T on the plus strand (T>A on the coding strand, the complement: PALB2 is on the minus strand). VCF-style: chr16-23635772-A-T. GRCh37 (hg19) VCF-style: chr16-23647093-A-T.
Other names: c.714T>A, p.Ser238Arg (NM_001407296.1); c.774T>A, p.Ser258Arg (NM_001407297.1, NM_001407298.1, NM_001407299.1 and 3 more transcripts); c.-112T>A (NM_001407304.1, NM_001407305.1, NM_001407306.1 and 5 more transcripts); c.48+5338T>A (NM_001407314.1); c.-104-5303T>A (NM_001407313.1, NM_001407312.1); short protein forms S238R, S258R.
Identifiers: ClinVar variation 5026183 (VCV005026183.1).

ClinVar aggregate classification (germline): Uncertain significance (1 of 4 stars; one submission).

Conditions:
Hereditary cancer-predisposing syndrome. Also called: Neoplastic Syndromes, Hereditary; Tumor predisposition; Hereditary neoplastic syndrome; Hereditary Cancer Syndrome. Identifiers: Orphanet 140162, MedGen C0027672, MeSH D009386, MONDO:0015356.

Submission:

Ambry Genetics
Classification: Uncertain significance for Hereditary cancer-predisposing syndrome. Last evaluated: 2026-08-02. Review status: criteria provided, single submitter. Criteria: Ambry Variant Classification Scheme 2023. Collection method: clinical testing. Allele origin: germline.
Comment: The p.S258R variant (also known as c.774T>A), located in coding exon 4 of the PALB2 gene, results from a T to A substitution at nucleotide position 774. The serine at codon 258 is replaced by arginine, an amino acid with dissimilar properties. This amino acid position is conserved. In addition, this alteration is predicted to be tolerated by in silico analysis. Based on the available evidence, the clinical significance of this variant remains unclear.